The following is an entry in ClinVar:

ClinVar aggregate classification (germline): Uncertain significance. Review status: criteria provided, multiple submitters, no conflicts (2 of 4 stars). 4 submissions from 4 submitters: Uncertain significance (4). Last evaluated 2026-01-23.

Conditions:
WFS1-related disorder. Identifiers: MedGen CN379391, MONDO:0700293.

Allele frequency attached by ClinVar (database versions not stated): ExAC 0.00003; gnomAD 0.00003; TOPMed 0.00003.
gnomAD v4.1: 53 of 1,613,952 alleles (0.0033%); highest among the groups gnomAD compares: Non-Finnish European, 0.0043%; no homozygotes.

Submissions (4):

GeneDx
Classification: Uncertain significance. Last evaluated: 2026-01-23. Review status: criteria provided, single submitter. Criteria: GeneDx Variant Classification Process June 2021. Collection method: clinical testing. Allele origin: germline.
Comment: In silico analysis suggests that this missense variant does not alter protein structure/function; Has not been previously published as pathogenic or benign to our knowledge

PreventionGenetics, part of Exact Sciences
Classification: Uncertain significance for WFS1-related condition. Last evaluated: 2025-11-10. Review status: criteria provided, single submitter. Criteria: ACMG Guidelines, 2015. Collection method: clinical testing. Allele origin: germline.
Comment: The WFS1 c.950C>G variant is predicted to result in the amino acid substitution p.Thr317Ser. To our knowledge, this variant has not been reported in the literature. This variant is reported in 0.020% of alleles in individuals of East Asian descent in gnomAD. At this time, the clinical significance of this variant is uncertain due to the absence of conclusive functional and genetic evidence.

Labcorp Genetics (formerly Invitae), Labcorp
Classification: Uncertain significance. Last evaluated: 2025-10-16. Review status: criteria provided, single submitter. Criteria: Invitae Variant Classification Sherloc (09022015). Collection method: clinical testing. Allele origin: germline.
Comment: This sequence change replaces threonine, which is neutral and polar, with serine, which is neutral and polar, at codon 317 of the WFS1 protein (p.Thr317Ser). This variant is present in population databases (rs763666730, gnomAD 0.02%). This variant has not been reported in the literature in individuals affected with WFS1-related conditions. ClinVar contains an entry for this variant (Variation ID: 1803632). Invitae Evidence Modeling of protein sequence and biophysical properties (such as structural, functional, and spatial information, amino acid conservation, physicochemical variation, residue mobility, and thermodynamic stability) indicates that this missense variant is not expected to disrupt WFS1 protein function with a negative predictive value of 95%. In summary, the available evidence is currently insufficient to determine the role of this variant in disease. Therefore, it has been classified as a Variant of Uncertain Significance.

Blueprint Genetics
Classification: Uncertain significance. Last evaluated: 2022-06-21. Review status: criteria provided, single submitter. Criteria: ACMG Guidelines, 2015. Collection method: clinical testing. Allele origin: germline.

NM_006005.3(WFS1):c.950C>G (p.Thr317Ser)

Gene: WFS1 (wolframin ER transmembrane glycoprotein; plus strand). Cytogenetic location: 4p16.1.
Variant type: single nucleotide variant.
Coding change: c.950C>G on transcript NM_006005.3 (MANE Select); coding-DNA position 950, C replaced by G.
Protein change: p.Thr317Ser; replaces threonine 317 with serine.
Molecular consequence: missense variant.
Genome position (GRCh38, 1-based): chr4:6,300,745, C>G. VCF-style: chr4-6300745-C-G. GRCh37 (hg19) VCF-style: chr4-6302472-C-G.
Other names: c.950C>G, p.Thr317Ser (NM_001145853.1); short protein forms T317S.
Identifiers: ClinVar variation 1803632 (VCV001803632.6), dbSNP rs763666730, ClinGen allele CA2839165.